The following is an entry in ClinVar:

ClinVar aggregate classification (germline): Likely pathogenic (1 of 4 stars; one submission).

Conditions:
Methylmalonic aciduria due to methylmalonyl-CoA mutase deficiency (MAMM). Also called: Methylmalonic aciduria, mut type. Identifiers: Orphanet 27, MedGen C1855114, MONDO:0009612, OMIM 251000.

Submission:

Myriad Genetics, Inc.
Classification: Likely pathogenic for Methylmalonic aciduria due to methylmalonyl-CoA mutase deficiency. Last evaluated: 2022-03-31. Review status: criteria provided, single submitter. Criteria: Myriad Women's Health Autosomal Recessive and X-Linked Classification Criteria (2021). Collection method: clinical testing. Allele origin: unknown.
Comment: NM_000255.3(MMUT):c.1590_1591delTG(E531Tfs*12) is expected to be pathogenic in the context of methylmalonic acidemia, MMUT-related. This variant is predicted to lead to an abnormal or absent protein product due to the creation of a premature termination codon in MMUT, a gene where loss-of-function variants are known to be pathogenic. Please note: this variant was assessed in the context of healthy population screening.

NM_000255.4(MMUT):c.1590_1591del (p.Glu531fs)

Gene: MMUT (methylmalonyl-CoA mutase; minus strand). Cytogenetic location: 6p12.3.
Variant type: Deletion.
Coding change: c.1590_1591del on transcript NM_000255.4 (MANE Select); coding-DNA positions 1590 to 1591, 2 bases deleted (TG; older notation c.1590_1591delTG).
Protein change: p.Glu531fs; shifts the reading frame from glutamic acid 531.
Molecular consequence: frameshift variant.
Genome position (GRCh38, 1-based): chr6:49,444,724-49,444,725, CA deleted on the plus strand (TG on the coding strand, the reverse complement: MMUT is on the minus strand). VCF-style (leftmost placement, unchanged base first): chr6-49444723-TCA-T. GRCh37 (hg19) VCF-style: chr6-49412436-TCA-T.
Other names: short protein forms E531fs.
Identifiers: ClinVar variation 1725732 (VCV001725732.2), dbSNP rs2481320629, ClinGen allele CA2580074696.